The following is an entry in ClinVar:

NM_000548.5(TSC2):c.5411C>T (p.Thr1804Ile)

Gene: TSC2 (TSC complex subunit 2; plus strand). Cytogenetic location: 16p13.3.
Variant type: single nucleotide variant.
Coding change: c.5411C>T on transcript NM_000548.5 (MANE Select); coding-DNA position 5411, C replaced by T.
Protein change: p.Thr1804Ile; replaces threonine 1804 with isoleucine.
Molecular consequence: missense variant.
Genome position (GRCh38, 1-based): chr16:2,088,597, C>T. VCF-style: chr16-2088597-C-T. GRCh37 (hg19) VCF-style: chr16-2138598-C-T.
Other names: c.5411C>T (NM_000548.3); c.5210C>T, p.Thr1737Ile (NM_001077183.3); c.5342C>T, p.Thr1781Ile (NM_001114382.3); c.5102C>T, p.Thr1701Ile (NM_001318827.2); c.5066C>T, p.Thr1689Ile (NM_001318829.2); c.4679C>T, p.Thr1560Ile (NM_001318831.2); c.5243C>T, p.Thr1748Ile (NM_001318832.2); c.5213C>T, p.Thr1738Ile (NM_001363528.2); and 3 more; short protein forms T1560I, T1737I, T1738I, T1761I, T1689I, T1804I, T1701I, T1748I.
Identifiers: ClinVar variation 1499063 (VCV001499063.9), dbSNP rs2151643245, ClinGen allele CA394316246.

ClinVar aggregate classification (germline): Uncertain significance. Review status: criteria provided, multiple submitters, no conflicts (2 of 4 stars). 2 submissions from 2 submitters: Uncertain significance (2). Last evaluated 2025-06-22.

Conditions:
Hereditary cancer-predisposing syndrome. Also called: Tumor predisposition; Hereditary neoplastic syndrome; Neoplastic Syndromes, Hereditary; Hereditary Cancer Syndrome. Identifiers: Orphanet 140162, MedGen C0027672, MeSH D009386, MONDO:0015356.
Tuberous sclerosis 2 (TSC2). Identifiers: Orphanet 805, MedGen C1860707, MONDO:0013199, OMIM 613254.

Submissions (2):

Labcorp Genetics (formerly Invitae), Labcorp
Classification: Uncertain significance for Tuberous sclerosis 2. Last evaluated: 2025-06-22. Review status: criteria provided, single submitter. Criteria: Invitae Variant Classification Sherloc (09022015). Collection method: clinical testing. Allele origin: germline.
Comment: This sequence change replaces threonine, which is neutral and polar, with isoleucine, which is neutral and non-polar, at codon 1804 of the TSC2 protein (p.Thr1804Ile). This variant is not present in population databases (gnomAD no frequency). This variant has not been reported in the literature in individuals affected with TSC2-related conditions. ClinVar contains an entry for this variant (Variation ID: 1499063). Invitae Evidence Modeling of protein sequence and biophysical properties (such as structural, functional, and spatial information, amino acid conservation, physicochemical variation, residue mobility, and thermodynamic stability) indicates that this missense variant is not expected to disrupt TSC2 protein function with a negative predictive value of 95%. In summary, the available evidence is currently insufficient to determine the role of this variant in disease. Therefore, it has been classified as a Variant of Uncertain Significance.

Ambry Genetics
Classification: Uncertain significance for Hereditary cancer-predisposing syndrome. Last evaluated: 2024-06-22. Review status: criteria provided, single submitter. Criteria: Ambry Variant Classification Scheme 2023. Collection method: clinical testing. Allele origin: germline.
Comment: The p.T1804I variant (also known as c.5411C>T), located in coding exon 41 of the TSC2 gene, results from a C to T substitution at nucleotide position 5411. The threonine at codon 1804 is replaced by isoleucine, an amino acid with similar properties. This amino acid position is conserved. In addition, this alteration is predicted to be deleterious by in silico analysis. Based on the available evidence, the clinical significance of this variant remains unclear.